The following is an entry in ClinVar:

NM_147127.5(EVC2):c.2897C>T (p.Ser966Leu)

Gene: EVC2 (EvC ciliary complex subunit 2; minus strand). Cytogenetic location: 4p16.2.
Variant type: single nucleotide variant.
Coding change: c.2897C>T on transcript NM_147127.5 (MANE Select); coding-DNA position 2897, C replaced by T.
Protein change: p.Ser966Leu; replaces serine 966 with leucine.
Molecular consequence: missense variant.
Genome position (GRCh38, 1-based): chr4:5,584,783, G>A on the plus strand (C>T on the coding strand, the complement: EVC2 is on the minus strand). VCF-style: chr4-5584783-G-A. GRCh37 (hg19) VCF-style: chr4-5586510-G-A.
Other names: c.2657C>T, p.Ser886Leu (NM_001166136.2); short protein forms S966L, S886L.
Identifiers: ClinVar variation 426920 (VCV000426920.16), dbSNP rs145425340, ClinGen allele CA2834530.

ClinVar aggregate classification (germline): Conflicting classifications of pathogenicity. Review status: criteria provided, conflicting classifications (1 of 4 stars). 3 submissions from 3 submitters: Uncertain significance (2); Likely benign (1). Last evaluated 2025-09-04.

Conditions:
Curry-Hall syndrome (WAD). Also called: WEYERS ACRODENTAL DYSOSTOSIS. Identifiers: Orphanet 952, MedGen C0457013, MONDO:0008673, OMIM 193530.
Ellis-van Creveld syndrome (EVC). Also called: Chondroectodermal dysplasia; MESOECTODERMAL DYSPLASIA; EVC-Related Ellis-van Creveld Syndrome; EVC2-Related Ellis-van Creveld Syndrome. Identifiers: Orphanet 289, MedGen C0013903, MONDO:0009162, OMIM 225500.

Allele frequency attached by ClinVar (database versions not stated): ExAC 0.00021; ESP Exome Variant Server 0.00023; gnomAD 0.00046 and 0.00047; TOPMed 0.00058; 1000 Genomes Project 0.00060; 1000 Genomes Project 30x 0.00078.
gnomAD v4.1: 154 of 1,614,146 alleles (0.0095%); highest among the groups gnomAD compares: African/African-American, 0.17%; 1 homozygote.

Submissions (3):

Labcorp Genetics (formerly Invitae), Labcorp
Classification: Likely benign for Curry-Hall syndrome; Ellis-van Creveld syndrome. Last evaluated: 2025-09-04. Review status: criteria provided, single submitter. Criteria: Invitae Variant Classification Sherloc (09022015). Collection method: clinical testing. Allele origin: germline.

Fulgent Genetics
Classification: Uncertain significance for Curry-Hall syndrome; Ellis-van Creveld syndrome. Last evaluated: 2018-10-31. Review status: criteria provided, single submitter. Criteria: ACMG Guidelines, 2015. Collection method: clinical testing. Allele origin: unknown.

GeneDx
Classification: Uncertain significance. Last evaluated: 2017-03-28. Review status: criteria provided, single submitter. Criteria: GeneDx Variant Classification (06012015). Collection method: clinical testing. Allele origin: germline. Affected: yes.
Comment: The S966L variant has not been published as a pathogenic variant, nor has it been reported as a benign variant to our knowledge. The S966L variant was observed in 19/10400 (0.18%) alleles in the ExAC dataset (Lek et al., 2016). The S966L variant is a non-conservative amino acid substitution, which is likely to impact secondary protein structure as these residues differ in polarity, charge, size and/or other properties. This substitution occurs at a position that is not conserved. In silico analysis predicts this variant likely does not alter the protein structure/function.